The following is an entry in ClinVar:

NM_000493.4(COL10A1):c.1869C>A (p.Tyr623Ter)

Genes: COL10A1 (collagen type X alpha 1 chain; minus strand), NT5DC1 (5'-nucleotidase domain containing 1; plus strand). Cytogenetic location: 6q22.1.
Variant type: single nucleotide variant.
Coding change: c.1869C>A on transcript NM_000493.4 (MANE Select); coding-DNA position 1869, C replaced by A.
Protein change: p.Tyr623Ter; replaces tyrosine 623 with a stop codon.
Molecular consequence: nonsense. On other transcripts: intron variant (1).
Genome position (GRCh38, 1-based): chr6:116,120,247, G>T on the plus strand (C>A on the coding strand, the complement: COL10A1 is on the minus strand). VCF-style: chr6-116120247-G-T. GRCh37 (hg19) VCF-style: chr6-116441410-G-T.
Other names: c.1869C>A, p.Tyr623Ter (NM_001424106.1, NM_001424107.1); c.529+2302G>T (NM_152729.3); short protein forms Y623*.
Identifiers: ClinVar variation 1381713 (VCV001381713.6), dbSNP rs2114277776, ClinGen allele CA365386580.

ClinVar aggregate classification (germline): Pathogenic (1 of 4 stars; one submission).

Submission:

Labcorp Genetics (formerly Invitae), Labcorp
Classification: Pathogenic. Last evaluated: 2025-01-06. Review status: criteria provided, single submitter. Criteria: Invitae Variant Classification Sherloc (09022015). Collection method: clinical testing. Allele origin: germline.
Comment: This sequence change creates a premature translational stop signal (p.Tyr623*) in the COL10A1 gene. While this is not anticipated to result in nonsense mediated decay, it is expected to disrupt the last 58 amino acid(s) of the COL10A1 protein. This variant is not present in population databases (gnomAD no frequency). This premature translational stop signal has been observed in individuals with clinical features of autosomal dominant metaphyseal chondrodysplasia, Schmid type (internal data). ClinVar contains an entry for this variant (Variation ID: 1381713). This variant is located in a region of the COL10A1 protein where a significant number of COL10A1 nonsense and frameshift mutations have been reported in association with autosomal dominant metaphyseal chondrodysplasia (PMID: 21447328, 33764685, 36400164). For these reasons, this variant has been classified as Pathogenic.

Literature cited by the submitters: PubMed 21447328; PubMed 33764685; PubMed 36400164.